The following is an entry in ClinVar:

NM_005534.4(IFNGR2):c.277G>C (p.Glu93Gln)

Gene: IFNGR2 (interferon gamma receptor 2; plus strand). Cytogenetic location: 21q22.11.
Variant type: single nucleotide variant.
Coding change: c.277G>C on transcript NM_005534.4 (MANE Select); coding-DNA position 277, G replaced by C.
Protein change: p.Glu93Gln; replaces glutamic acid 93 with glutamine.
Molecular consequence: missense variant.
Genome position (GRCh38, 1-based): chr21:33,421,550, G>C. VCF-style: chr21-33421550-G-C. GRCh37 (hg19) VCF-style: chr21-34793857-G-C.
Other names: c.334G>C, p.Glu112Gln (NM_001329128.2); short protein forms E112Q, E93Q.
Identifiers: ClinVar variation 860027 (VCV000860027.10), dbSNP rs1287012312, ClinGen allele CA410117242.

ClinVar aggregate classification (germline): Uncertain significance (1 of 4 stars; one submission).

Conditions:
Immunodeficiency 28 (IMD28). Also called: IFNGR2 DEFICIENCY. Identifiers: Orphanet 319547, Orphanet 319574, MedGen C4013947, MONDO:0013953, OMIM 614889.

Allele frequency attached by ClinVar (database versions not stated): TOPMed below 0.00001; gnomAD 0.00001.
gnomAD v4.1: 2 of 1,613,964 alleles (0.00012%); highest among the groups gnomAD compares: African/African-American, 0.0027%; no homozygotes.

Submission:

Labcorp Genetics (formerly Invitae), Labcorp
Classification: Uncertain significance for Immunodeficiency 28. Last evaluated: 2019-11-25. Review status: criteria provided, single submitter. Criteria: Invitae Variant Classification Sherloc (09022015). Collection method: clinical testing. Allele origin: germline.
Comment: In summary, the available evidence is currently insufficient to determine the role of this variant in disease. Therefore, it has been classified as a Variant of Uncertain Significance. Algorithms developed to predict the effect of missense changes on protein structure and function output the following: SIFT: "Tolerated"; PolyPhen-2: "Benign"; Align-GVGD: "Class C0". The glutamine amino acid residue is found in multiple mammalian species, suggesting that this missense change does not adversely affect protein function. These predictions have not been confirmed by published functional studies and their clinical significance is uncertain. This variant has not been reported in the literature in individuals with IFNGR2-related conditions. This variant is not present in population databases (ExAC no frequency). This sequence change replaces glutamic acid with glutamine at codon 93 of the IFNGR2 protein (p.Glu93Gln). The glutamic acid residue is moderately conserved and there is a small physicochemical difference between glutamic acid and glutamine.